The following is an entry in ClinVar:

NM_147686.4(TRAF3IP2):c.1049A>G (p.Asn350Ser)

Genes: TRAF3IP2 (TRAF3 interacting protein 2; minus strand), TRAF3IP2-AS1 (TRAF3IP2 antisense RNA 1; plus strand). Cytogenetic location: 6q21.
Variant type: single nucleotide variant.
Coding change: c.1049A>G on transcript NM_147686.4 (MANE Select); coding-DNA position 1049, A replaced by G.
Protein change: p.Asn350Ser; replaces asparagine 350 with serine.
Molecular consequence: missense variant.
Genome position (GRCh38, 1-based): chr6:111,575,795, T>C on the plus strand (A>G on the coding strand, the complement: TRAF3IP2 is on the minus strand). VCF-style: chr6-111575795-T-C. GRCh37 (hg19) VCF-style: chr6-111896998-T-C.
Other names: c.1049A>G, p.Asn350Ser (NM_001164281.3); c.1076A>G, p.Asn359Ser (NM_147200.3); short protein forms N359S, N350S.
Identifiers: ClinVar variation 1390967 (VCV001390967.6), dbSNP rs2128375781, ClinGen allele CA365362748.
Genomic context (GRCh38, chr6:111,575,795, plus strand): 5'-GGAACCTGTGGTCTCAGCTCTGCAGGGCACTCCAAGGACTCCCCAGGAGCACCAGCTCTA[T>C]TAGGTGGCTGGTGATGTGGCTGGTCCCTAGAAAGGAATACATTTACAGTCAATTTTCATT-3'
Protein context (NP_679211.2, residues 340-360): HQDQPHHQPP[Asn350Ser]RAGAPGESLE

ClinVar aggregate classification (germline): Uncertain significance (1 of 4 stars; one submission).

Conditions:
Candidiasis, familial, 8 (CANDF8). Identifiers: Orphanet 1334, MedGen C3714992, MONDO:0014230, OMIM 615527.

Allele frequency attached by ClinVar (database versions not stated): gnomAD exomes below 0.00001.
gnomAD v4.1: 2 of 1,609,642 alleles (0.00012%); highest among the groups gnomAD compares: Admixed American, 0.0034%; no homozygotes.

Submission:

Labcorp Genetics (formerly Invitae), Labcorp
Classification: Uncertain significance for Candidiasis, familial, 8. Last evaluated: 2022-06-03. Review status: criteria provided, single submitter. Criteria: Invitae Variant Classification Sherloc (09022015). Collection method: clinical testing. Allele origin: germline.
Comment: In summary, the available evidence is currently insufficient to determine the role of this variant in disease. Therefore, it has been classified as a Variant of Uncertain Significance. Algorithms developed to predict the effect of missense changes on protein structure and function output the following: SIFT: "Tolerated"; PolyPhen-2: "Benign"; Align-GVGD: "Class C0". The serine amino acid residue is found in multiple mammalian species, which suggests that this missense change does not adversely affect protein function. ClinVar contains an entry for this variant (Variation ID: 1390967). This variant has not been reported in the literature in individuals affected with TRAF3IP2-related conditions. This variant is not present in population databases (gnomAD no frequency). This sequence change replaces asparagine, which is neutral and polar, with serine, which is neutral and polar, at codon 350 of the TRAF3IP2 protein (p.Asn350Ser).